The following is an entry in ClinVar:

NM_001211.6(BUB1B):c.2125C>T (p.Leu709Phe)

Gene: BUB1B (BUB1 mitotic checkpoint serine/threonine kinase B; plus strand). Cytogenetic location: 15q15.1.
Variant type: single nucleotide variant.
Coding change: c.2125C>T on transcript NM_001211.6 (MANE Select); coding-DNA position 2125, C replaced by T.
Protein change: p.Leu709Phe; replaces leucine 709 with phenylalanine.
Molecular consequence: missense variant.
Genome position (GRCh38, 1-based): chr15:40,208,752, C>T. VCF-style: chr15-40208752-C-T. GRCh37 (hg19) VCF-style: chr15-40500953-C-T.
Other names: short protein forms L709F.
Identifiers: ClinVar variation 3221379 (VCV003221379.1), dbSNP rs748990758, ClinGen allele CA7475952.
Genomic context (GRCh38, chr15:40,208,752, plus strand): 5'-TCTGCCTCGGTTGCAAGCACCTCCTCCATCAAATGTCTTCAAATTCCTGAGAAACTAGAA[C>T]TTACTAATGAGACTTCAGGTAGGATATACATACCACTATATCCATGCCTAGTGAACACTT-3'
Protein context (NP_001202.5, residues 699-719): KCLQIPEKLE[Leu709Phe]TNETSENPTQ

ClinVar aggregate classification (germline): Uncertain significance (1 of 4 stars; one submission).

Conditions:
Inborn genetic diseases. Identifiers: MedGen C0950123, MeSH D030342.

Allele frequency attached by ClinVar (database versions not stated): gnomAD exomes below 0.00001; ExAC 0.00001.
gnomAD v4.1: 1 of 1,612,934 alleles (0.000062%); highest among the groups gnomAD compares: Non-Finnish European, 0.000085%; no homozygotes.

Submission:

Ambry Genetics
Classification: Uncertain significance for Inborn genetic diseases. Last evaluated: 2023-11-02. Review status: criteria provided, single submitter. Criteria: Ambry Variant Classification Scheme 2023. Collection method: clinical testing. Allele origin: germline.
Comment: The p.L709F variant (also known as c.2125C>T), located in coding exon 16 of the BUB1B gene, results from a C to T substitution at nucleotide position 2125. The leucine at codon 709 is replaced by phenylalanine, an amino acid with highly similar properties. This amino acid position is conserved. In addition, this alteration is predicted to be tolerated by in silico analysis. Since supporting evidence is limited at this time, the clinical significance of this alteration remains unclear.